The following is an entry in ClinVar:

NM_001148.6(ANK2):c.11650GAA[2] (p.Glu3886del)

Gene: ANK2 (ankyrin 2; plus strand). Cytogenetic location: 4q26.
Variant type: Microsatellite.
Coding change: c.11650GAA[2] on transcript NM_001148.6 (MANE Select); two copies in a row of the 3-base unit GAA starting at c.11650; the reference has three copies in a row; one copy, 3 bases deleted.
Protein change: p.Glu3886del; deletes glutamic acid 3886.
Molecular consequence: inframe deletion. On other transcripts: intron variant (1).
Genome position (GRCh38, 1-based): chr4:113,373,135-113,373,137, GAA deleted; deleting any 3 consecutive bases within chr4:113,373,128-113,373,137 gives the same sequence; the position shown is the placement nearest the transcript's 3' end. VCF-style (leftmost placement, unchanged base first): chr4-113373127-CAGA-C. GRCh37 (hg19) VCF-style: chr4-114294283-CAGA-C.
Other names: c.5368GAA[2], p.Glu1792del (NM_001127493.3); c.5407GAA[2], p.Glu1805del (NM_001354225.2); c.5389GAA[2], p.Glu1799del (NM_001354228.2); c.5374GAA[2], p.Glu1794del (NM_001354230.2); c.5530GAA[2], p.Glu1846del (NM_001354231.2); c.5524GAA[2], p.Glu1844del (NM_001354232.2); c.5485GAA[2], p.Glu1831del (NM_001354235.2); c.5293GAA[2], p.Glu1767del (NM_001354236.2); and 44 more; short protein forms E1673del, E1730del, E1739del, E1754del, E1758del, E1779del, E1822del, E1701del.
Identifiers: ClinVar variation 845584 (VCV000845584.6), dbSNP rs776600674, ClinGen allele CA3052339.

ClinVar aggregate classification (germline): Uncertain significance (1 of 4 stars; one submission).

Conditions:
Long QT syndrome (LQTS). Identifiers: MedGen C0023976, MeSH D008133, MONDO:0002442. Disease mechanism: loss of function. Inheritance: Various modes of inheritance.

Submission:

Labcorp Genetics (formerly Invitae), Labcorp
Classification: Uncertain significance for Long QT syndrome. Last evaluated: 2023-10-03. Review status: criteria provided, single submitter. Criteria: Invitae Variant Classification Sherloc (09022015). Collection method: clinical testing. Allele origin: germline.
Comment: This variant, c.11656_11658del, results in the deletion of 1 amino acid(s) of the ANK2 protein (p.Glu3886del), but otherwise preserves the integrity of the reading frame. This variant is present in population databases (rs776600674, gnomAD 0.02%). This variant has not been reported in the literature in individuals affected with ANK2-related conditions. ClinVar contains an entry for this variant (Variation ID: 845584). Experimental studies and prediction algorithms are not available or were not evaluated, and the functional significance of this variant is currently unknown. In summary, the available evidence is currently insufficient to determine the role of this variant in disease. Therefore, it has been classified as a Variant of Uncertain Significance.